The following is an entry in ClinVar:

ClinVar aggregate classification (germline): Likely benign. Review status: criteria provided, multiple submitters, no conflicts (2 of 4 stars). 3 submissions from 3 submitters: Likely benign (3). Last evaluated 2025-07-18.

Conditions:
CRB1-related disorder. Also called: CRB1-related condition; CRB1-related disorders.
Leber congenital amaurosis 8 (LCA8). Identifiers: Orphanet 65, MedGen C3151202, MONDO:0013453, OMIM 613835.
Retinitis pigmentosa 12 (RP12). Also called: RP WITH OR WITHOUT PPRPE; RP WITH OR WITHOUT PRESERVED PARAARTERIOLE RETINAL PIGMENT EPITHELIUM; RETINITIS PIGMENTOSA WITH OR WITHOUT PARAARTERIOLAR PRESERVATION OF RETINAL PIGMENT EPITHELIUM. Identifiers: Orphanet 791, MedGen C1838647, MONDO:0010818, OMIM 600105.

gnomAD v4.1: 3 of 1,613,798 alleles (0.00019%); highest among the groups gnomAD compares: Middle Eastern, 0.016%; no homozygotes.

Submissions (3):

PreventionGenetics, part of Exact Sciences
Classification: Likely benign for CRB1-related condition. Last evaluated: 2025-07-18. Review status: criteria provided, single submitter. Criteria: ACMG Guidelines, 2015. Collection method: clinical testing. Allele origin: germline.
Comment: This variant is classified as likely benign based on ACMG/AMP sequence variant interpretation guidelines (Richards et al. 2015 PMID: 25741868, with internal and published modifications).

Blueprint Genetics
Classification: Likely benign. Last evaluated: 2024-03-04. Review status: criteria provided, single submitter. Criteria: ACMG Guidelines, 2015. Collection method: clinical testing. Allele origin: germline.

Labcorp Genetics (formerly Invitae), Labcorp
Classification: Likely benign for Leber congenital amaurosis 8; Retinitis pigmentosa 12. Last evaluated: 2024-03-03. Review status: criteria provided, single submitter. Criteria: Invitae Variant Classification Sherloc (09022015). Collection method: clinical testing. Allele origin: germline.

NM_201253.3(CRB1):c.3915G>C (p.Pro1305=)

Gene: CRB1 (crumbs cell polarity complex component 1; plus strand). Cytogenetic location: 1q31.3.
Variant type: single nucleotide variant.
Coding change: c.3915G>C on transcript NM_201253.3 (MANE Select); coding-DNA position 3915, G replaced by C.
Protein change: p.Pro1305=; no amino-acid change (proline 1305 retained).
Molecular consequence: synonymous variant. On other transcripts: non-coding transcript variant (2).
Genome position (GRCh38, 1-based): chr1:197,442,202, G>C. VCF-style: chr1-197442202-G-C. GRCh37 (hg19) VCF-style: chr1-197411332-G-C.
Other names: c.3579G>C, p.Pro1193= (NM_001193640.2); c.3843G>C, p.Pro1281= (NM_001257965.2); c.2307G>C, p.Pro769= (NM_001257966.2); c.3915G>C (NM_201253.2).
Identifiers: ClinVar variation 1587892 (VCV001587892.10), dbSNP rs541488801, ClinGen allele CA422673817.